The following is an entry in ClinVar:

NM_017777.4(MKS1):c.494G>A (p.Arg165His)

Gene: MKS1 (MKS transition zone complex subunit 1; minus strand). Cytogenetic location: 17q22.
Variant type: single nucleotide variant.
Coding change: c.494G>A on transcript NM_017777.4 (MANE Select); coding-DNA position 494, G replaced by A.
Protein change: p.Arg165His; replaces arginine 165 with histidine.
Molecular consequence: missense variant. On other transcripts: intron variant (1).
Genome position (GRCh38, 1-based): chr17:58,214,762, C>T on the plus strand (G>A on the coding strand, the complement: MKS1 is on the minus strand). VCF-style: chr17-58214762-C-T. GRCh37 (hg19) VCF-style: chr17-56292123-C-T.
Other names: c.494G>A (NM_017777.3); c.494G>A, p.Arg165His (NM_001321269.2, NM_001330397.2); c.-94-375G>A (NM_001321268.2); short protein forms R165H.
Identifiers: ClinVar variation 597849 (VCV000597849.12), dbSNP rs771709346, ClinGen allele CA8669505.

ClinVar aggregate classification (germline): Uncertain significance. Review status: criteria provided, multiple submitters, no conflicts (2 of 4 stars). 4 submissions from 4 submitters: Uncertain significance (4). Last evaluated 2025-07-28.

Conditions:
Inborn genetic diseases. Identifiers: MedGen C0950123, MeSH D030342.
Meckel-Gruber syndrome. Also called: DYSENCEPHALIA SPLANCHNOCYSTICA; GRUBER SYNDROME; Dysencephalia splachnocystica. Identifiers: Orphanet 564, MedGen C0265215, MONDO:0018921.
Joubert syndrome. Also called: Familial aplasia of the vermis; JOUBERT-BOLTSHAUSER SYNDROME. Identifiers: Orphanet 475, MedGen C5979921, MONDO:0018772.
MKS1-related disorder. Also called: MKS1-related disorders; MKS1-related condition. Identifiers: MedGen CN239382.

Allele frequency attached by ClinVar (database versions not stated): ExAC 0.00001; gnomAD exomes 0.00001 and 0.00002; gnomAD 0.00002 and 0.00003; TOPMed 0.00003.
gnomAD v4.1: 16 of 1,606,724 alleles (0.001%); highest among the groups gnomAD compares: Middle Eastern, 0.017%; no homozygotes.

Submissions (4):

PreventionGenetics, part of Exact Sciences
Classification: Uncertain significance for MKS1-related condition. Last evaluated: 2025-07-28. Review status: criteria provided, single submitter. Criteria: ACMG Guidelines, 2015. Collection method: clinical testing. Allele origin: germline.
Comment: The MKS1 c.494G>A variant is predicted to result in the amino acid substitution p.Arg165His. To our knowledge, this variant has not been reported in the literature. This variant is reported in 0.011% of alleles in individuals of Latino descent in gnomAD. At this time, the clinical significance of this variant is uncertain due to the absence of conclusive functional and genetic evidence.

Labcorp Genetics (formerly Invitae), Labcorp
Classification: Uncertain significance for Joubert syndrome; Meckel-Gruber syndrome. Last evaluated: 2022-10-04. Review status: criteria provided, single submitter. Criteria: Invitae Variant Classification Sherloc (09022015). Collection method: clinical testing. Allele origin: germline.
Comment: This sequence change replaces arginine, which is basic and polar, with histidine, which is basic and polar, at codon 165 of the MKS1 protein (p.Arg165His). The frequency data for this variant in the population databases is considered unreliable, as metrics indicate poor data quality at this position in the gnomAD database. This variant has not been reported in the literature in individuals affected with MKS1-related conditions. ClinVar contains an entry for this variant (Variation ID: 597849). Advanced modeling of protein sequence and biophysical properties (such as structural, functional, and spatial information, amino acid conservation, physicochemical variation, residue mobility, and thermodynamic stability) performed at Invitae indicates that this missense variant is expected to disrupt MKS1 protein function. In summary, the available evidence is currently insufficient to determine the role of this variant in disease. Therefore, it has been classified as a Variant of Uncertain Significance.

Ambry Genetics
Classification: Uncertain significance for Inborn genetic diseases. Last evaluated: 2021-09-21. Review status: criteria provided, single submitter. Criteria: Ambry Variant Classification Scheme 2023. Collection method: clinical testing. Allele origin: germline.

Eurofins Ntd Llc (ga)
Classification: Uncertain significance. Last evaluated: 2018-06-27. Review status: criteria provided, single submitter. Criteria: EGL ClinVar v180209 classification definitions. Collection method: clinical testing. Allele origin: germline. Observed: 1 variant allele, 1 heterozygote.